The following is an entry in ClinVar:

NM_000455.5(STK11):c.357C>T (p.Asn119=)

Gene: STK11 (serine/threonine kinase 11; plus strand). Cytogenetic location: 19p13.3.
Variant type: single nucleotide variant.
Coding change: c.357C>T on transcript NM_000455.5 (MANE Select); coding-DNA position 357, C replaced by T.
Protein change: p.Asn119=; no amino-acid change (asparagine 119 retained).
Molecular consequence: synonymous variant.
Genome position (GRCh38, 1-based): chr19:1,218,483, C>T. VCF-style: chr19-1218483-C-T. GRCh37 (hg19) VCF-style: chr19-1218482-C-T.
Other names: p.N119N:AAC>AAT.
Identifiers: ClinVar variation 182877 (VCV000182877.74), dbSNP rs372511774, ClinGen allele CA022838.

ClinVar aggregate classification (germline): Conflicting classifications of pathogenicity. Review status: criteria provided, conflicting classifications (1 of 4 stars). 19 submissions from 19 submitters: Uncertain significance (2); Benign (6); Likely benign (10). 1 of the submissions does not count toward it. Last evaluated 2026-01-14.

Conditions:
Peutz-Jeghers syndrome (PJS). Also called: Peutz-Jeghers polyposis; Periorificial lentiginosis syndrome; POLYPOSIS, HAMARTOMATOUS INTESTINAL; POLYPS-AND-SPOTS SYNDROME. Identifiers: Orphanet 2869, MedGen C0031269, MeSH D010580, MONDO:0008280, OMIM 175200.
Familial pancreatic carcinoma. Identifiers: Orphanet 1333, MedGen C2931038, MONDO:0015278, OMIM 260350.
Melanoma, cutaneous malignant, susceptibility to, 1 (CMM1). Also called: DYSPLASTIC NEVUS SYNDROME, HEREDITARY; FAMILIAL ATYPICAL MOLE-MALIGNANT MELANOMA SYNDROME; MELANOMA, MALIGNANT; B-K MOLE SYNDROME. Identifiers: Orphanet 618, MedGen C1835047, MONDO:0007963, OMIM 155600.
Germ cell tumor of testis (TGCT). Also called: Testicular germ cell tumor; GERM CELL TUMOR, SOMATIC. Identifiers: Orphanet 363504, MedGen C1336708, MONDO:0010108, OMIM 273300.
Hereditary cancer-predisposing syndrome. Also called: Tumor predisposition; Neoplastic Syndromes, Hereditary; Hereditary Cancer Syndrome; Hereditary neoplastic syndrome. Identifiers: Orphanet 140162, MedGen C0027672, MeSH D009386, MONDO:0015356.

Allele frequency attached by ClinVar (database versions not stated): TOPMed 0.00011; gnomAD 0.00007; ExAC 0.00008; ESP Exome Variant Server 0.00008; gnomAD exomes 0.00008.
gnomAD v4.1: 132 of 1,613,428 alleles (0.0082%); highest among the groups gnomAD compares: Middle Eastern, 0.016%; no homozygotes.

Submissions (19):

Labcorp Genetics (formerly Invitae), Labcorp
Classification: Benign for Peutz-Jeghers syndrome. Last evaluated: 2026-01-14. Review status: criteria provided, single submitter. Criteria: Invitae Variant Classification Sherloc (09022015). Collection method: clinical testing. Allele origin: germline.

Center for Genomic Medicine, Rigshospitalet, Copenhagen University Hospital
Classification: Likely benign. Last evaluated: 2025-03-04. Review status: criteria provided, single submitter. Criteria: ACMG Guidelines, 2015. Collection method: clinical testing. Allele origin: germline.

Blueprint Genetics
Classification: Likely benign. Last evaluated: 2024-09-08. Review status: criteria provided, single submitter. Criteria: ACMG Guidelines, 2015. Collection method: clinical testing. Allele origin: germline.

All of Us Research Program, National Institutes of Health
Classification: Likely benign for Peutz-Jeghers syndrome. Last evaluated: 2024-02-05. Review status: criteria provided, single submitter. Criteria: ACMG Guidelines, 2015. Collection method: clinical testing. Allele origin: germline. Inheritance: Autosomal dominant inheritance. Observed: 32 variant alleles, 32 heterozygotes.
Comment: This study involves interpretation of variants in research participants for the purpose of population health screening. Participant phenotype was not available at the time of variant classification. Additional details can be found in publication PMID: 35346344, PMCID: PMC8962531

CeGaT Center for Human Genetics Tuebingen
Classification: Likely benign. Last evaluated: 2024-02-01. Review status: criteria provided, single submitter. Criteria: CeGaT Center For Human Genetics Tuebingen Variant Classification Criteria Version 2. Collection method: clinical testing. Allele origin: germline. Affected: yes. Observed: 2 variant alleles.
Comment: STK11: BP4, BP7

Department of Pathology and Laboratory Medicine, Sinai Health System
Classification: Likely benign for Melanoma, cutaneous malignant, susceptibility to, 1; Peutz-Jeghers syndrome; Familial pancreatic carcinoma; Germ cell tumor of testis. Last evaluated: 2023-10-03. Review status: criteria provided, single submitter. Criteria: ACMG Guidelines, 2015. Collection method: clinical testing. Allele origin: germline. Affected: yes.

Myriad Genetics, Inc.
Classification: Benign for Peutz-Jeghers syndrome. Last evaluated: 2023-04-13. Review status: criteria provided, single submitter. Criteria: Myriad Autosomal Dominant, Autosomal Recessive and X-Linked Classification Criteria (2023). Collection method: clinical testing. Allele origin: unknown.
Comment: This variant is considered benign. This variant is a silent/synonymous amino acid change and it is not expected to impact splicing.

Genome-Nilou Lab
Classification: Likely benign for Peutz-Jeghers syndrome. Last evaluated: 2021-07-15. Review status: criteria provided, single submitter. Criteria: ACMG Guidelines, 2015. Collection method: clinical testing. Allele origin: germline. Affected: no.

Sema4
Classification: Benign for Hereditary cancer-predisposing syndrome. Last evaluated: 2021-04-29. Review status: criteria provided, single submitter. Criteria: Sema4 Curation Guidelines. Collection method: curation. Allele origin: germline.

Genetic Services Laboratory, University of Chicago
Classification: Likely benign. Last evaluated: 2020-12-18. Review status: criteria provided, single submitter. Criteria: ACMG Guidelines, 2015. Collection method: clinical testing. Allele origin: germline. Affected: no.

Quest Diagnostics Nichols Institute San Juan Capistrano
Classification: Benign. Last evaluated: 2020-04-20. Review status: criteria provided, single submitter. Criteria: Quest Diagnostics criteria. Collection method: clinical testing. Allele origin: unknown.

ARUP Laboratories, Molecular Genetics and Genomics, ARUP Laboratories
Classification: Likely benign. Last evaluated: 2019-11-24. Review status: criteria provided, single submitter. Criteria: ARUP Molecular Germline Variant Investigation Process. Collection method: clinical testing. Allele origin: germline.

Illumina Laboratory Services, Illumina
Classification: Uncertain significance for Peutz-Jeghers syndrome. Last evaluated: 2018-01-13. Review status: criteria provided, single submitter. Criteria: ICSL Variant Classification Criteria 13 December 2019. Collection method: clinical testing. Allele origin: germline.

Women's Health and Genetics/Laboratory Corporation of America, LabCorp
Classification: Benign. Last evaluated: 2016-09-30. Review status: criteria provided, single submitter. Criteria: LabCorp Variant Classification Summary - May 2015. Collection method: clinical testing. Allele origin: germline.
Comment: Variant summary: The STK11 c.357C>T (p.Asn119Asn) variant causes a synonymous change involving a non-conserved nucleotide with 5/5 splice prediction tools predicting no significant impact on normal splicing. The variant of interest was observed in the large, broad control population, ExAC, with an allele frequency of 10/120328 (1/12032), which is approximately 13 times the estimated maximal expected allele frequency for a pathogenic STK11 variant 1/158730 (0.0000063), suggesting this variant is likely a benign polymorphism. In addition, multiple clinical diagnostic laboratories have classified this variant as benign/likely benign. Taken together, this variant is classified as Benign.

Color Diagnostics, LLC DBA Color Health
Classification: Likely benign for Hereditary cancer-predisposing syndrome. Last evaluated: 2015-05-18. Review status: criteria provided, single submitter. Criteria: ACMG Guidelines, 2015. Collection method: clinical testing. Allele origin: germline.

Eurofins Ntd Llc (ga)
Classification: Uncertain significance. Last evaluated: 2015-04-10. Review status: criteria provided, single submitter. Criteria: EGL Classification Definitions 2015. Collection method: clinical testing. Allele origin: germline. Observed: 1 variant allele, 1 heterozygote.

Ambry Genetics
Classification: Likely benign for Hereditary cancer-predisposing syndrome. Last evaluated: 2014-10-22. Review status: criteria provided, single submitter. Criteria: Ambry Variant Classification Scheme 2023. Collection method: clinical testing. Allele origin: germline.

GeneDx
Classification: Benign. Last evaluated: 2014-01-23. Review status: criteria provided, single submitter. Criteria: GeneDx Variant Classification (06012015). Collection method: clinical testing. Allele origin: germline. Affected: yes.
Comment: This variant is considered likely benign or benign based on one or more of the following criteria: it is a conservative change, it occurs at a poorly conserved position in the protein, it is predicted to be benign by multiple in silico algorithms, and/or has population frequency not consistent with disease.

Counsyl
Classification: Likely benign for Peutz-Jeghers syndrome. Last evaluated: 2016-07-18. Review status: no assertion criteria provided. Collection method: clinical testing. Allele origin: unknown. Not counted in ClinVar's aggregate classification.

Literature cited by the submitters: PubMed 10208439 (cited by 3 submitters); PubMed 30287823 (cited by Department of Pathology and Laboratory Medicine, Sinai Health System and Quest Diagnostics Nichols Institute San Juan Capistrano).